The following is an entry in ClinVar:

ClinVar aggregate classification (germline): Uncertain significance. Review status: criteria provided, multiple submitters, no conflicts (2 of 4 stars). 3 submissions from 3 submitters: Uncertain significance (3). Last evaluated 2024-08-28.

Conditions:
Primary ciliary dyskinesia 3. Identifiers: Orphanet 244, MedGen C1837618, MONDO:0012085, OMIM 608644.
Primary ciliary dyskinesia. Also called: Ciliary dyskinesia. Identifiers: Orphanet 244, MedGen C0008780, MONDO:0016575, HP:0012265.

Allele frequency attached by ClinVar (database versions not stated): TOPMed 0.00001; ExAC 0.00002; gnomAD exomes 0.00003 and 0.00006.
gnomAD v4.1: 15 of 1,614,140 alleles (0.00093%); highest among the groups gnomAD compares: Admixed American, 0.025%; no homozygotes.

Submissions (3):

Ambry Genetics
Classification: Uncertain significance for Primary ciliary dyskinesia. Last evaluated: 2024-08-28. Review status: criteria provided, single submitter. Criteria: Ambry Variant Classification Scheme 2023. Collection method: clinical testing. Allele origin: germline.

ARUP Laboratories, Molecular Genetics and Genomics, ARUP Laboratories
Classification: Uncertain significance for Primary ciliary dyskinesia 3. Last evaluated: 2023-08-15. Review status: criteria provided, single submitter. Criteria: ARUP Molecular Germline Variant Investigation Process 2024. Collection method: clinical testing. Allele origin: germline.
Comment: The DNAH5 c.8600T>A; p.Ile2867Asn variant (rs572852817), to our knowledge, is not reported in the medical literature but is reported in ClinVar (Variation ID: 967992). This variant is observed in the general population with an overall allele frequency of 0.006% (14/251252 alleles) in the Genome Aggregation Database. Computational analyses predict that this variant is neutral (REVEL: 0.094). Due to limited information, the clinical significance of this variant is uncertain at this time.

Labcorp Genetics (formerly Invitae), Labcorp
Classification: Uncertain significance for Primary ciliary dyskinesia. Last evaluated: 2021-09-01. Review status: criteria provided, single submitter. Criteria: Invitae Variant Classification Sherloc (09022015). Collection method: clinical testing. Allele origin: germline.
Comment: This sequence change replaces isoleucine with asparagine at codon 2867 of the DNAH5 protein (p.Ile2867Asn). The isoleucine residue is weakly conserved and there is a large physicochemical difference between isoleucine and asparagine. This variant is present in population databases (rs572852817, ExAC 0.02%). This missense change has been observed in individual(s) with clinical features of primary ciliary dyskinesia (Invitae). Algorithms developed to predict the effect of missense changes on protein structure and function are either unavailable or do not agree on the potential impact of this missense change (SIFT: "Deleterious"; PolyPhen-2: "Benign"; Align-GVGD: "Class C0"). In summary, the available evidence is currently insufficient to determine the role of this variant in disease. Therefore, it has been classified as a Variant of Uncertain Significance.

NM_001369.3(DNAH5):c.8600T>A (p.Ile2867Asn)

Gene: DNAH5 (dynein axonemal heavy chain 5; minus strand). Cytogenetic location: 5p15.2.
Variant type: single nucleotide variant.
Coding change: c.8600T>A on transcript NM_001369.3 (MANE Select); coding-DNA position 8600, T replaced by A.
Protein change: p.Ile2867Asn; replaces isoleucine 2867 with asparagine.
Molecular consequence: missense variant.
Genome position (GRCh38, 1-based): chr5:13,788,763, A>T on the plus strand (T>A on the coding strand, the complement: DNAH5 is on the minus strand). VCF-style: chr5-13788763-A-T. GRCh37 (hg19) VCF-style: chr5-13788872-A-T.
Other names: short protein forms I2867N.
Identifiers: ClinVar variation 967992 (VCV000967992.9), dbSNP rs572852817, ClinGen allele CA3202788.
Genomic context (GRCh38, chr5:13,788,763, plus strand): 5'-TTCAATAGTTTACCTGCAGCTTCAGGTGCATCTCTCAAGAAATCCACAAAATATGTGTCA[A>T]TTCCACAATCCACCAAGAGTTTTTTCTCTTCACCAAACTCCTCCTCTACCAAACTTACTA-3'
Protein context (NP_001360.1, residues 2857-2877): EEKKLLVDCG[Ile2867Asn]DTYFVDFLRD